The following is an entry in ClinVar:

NM_000535.7(PMS2):c.1035dup (p.Gln346fs)

Gene: PMS2 (PMS1 homolog 2, mismatch repair system component; minus strand). Cytogenetic location: 7p22.1.
Variant type: Duplication.
Coding change: c.1035dup on transcript NM_000535.7 (MANE Select); coding-DNA position 1035, one base duplicated (A; older notation c.1035dupA).
Protein change: p.Gln346fs; shifts the reading frame from glutamine 346.
Molecular consequence: frameshift variant. On other transcripts: non-coding transcript variant (1), intron variant (2).
Genome position (GRCh38, 1-based): chr7:5,989,909, T duplicated on the plus strand (A on the coding strand, the reverse complement: PMS2 is on the minus strand). VCF-style (leftmost placement, unchanged base first): chr7-5989908-G-GT. GRCh37 (hg19) VCF-style: chr7-6029539-G-GT.
Other names: c.630dup, p.Gln211Thrfs (NM_001018040.1, NM_001406887.1, NM_001406888.1 and 13 more transcripts); c.630dup, p.Gln211fs (NM_001322003.2, NM_001322004.2, NM_001322005.2 and 1 more transcripts); c.717dup, p.Gln240fs (NM_001322007.2, NM_001322008.2); c.1035dup, p.Gln346Thrfs (NM_001406871.1, NM_001406872.1); c.837dup, p.Gln280Thrfs (NM_001406873.1); c.867dup, p.Gln290Thrfs (NM_001406874.1); c.726dup, p.Gln243Thrfs (NM_001406875.1, NM_001406877.1, NM_001406878.1 and 4 more transcripts); c.717dup, p.Gln240Thrfs (NM_001406876.1, NM_001406883.1, NM_001406903.1); and 14 more; short protein forms Q155fs, Q211fs, Q240fs, Q35fs, Q346fs, Q243fs.
Identifiers: ClinVar variation 2126985 (VCV002126985.4), dbSNP rs2535935206, ClinGen allele CA2580076751.

ClinVar aggregate classification (germline): Pathogenic (1 of 4 stars; one submission).

Conditions:
Hereditary nonpolyposis colorectal neoplasms. Identifiers: MedGen C0009405, MeSH D003123.

Submission:

Labcorp Genetics (formerly Invitae), Labcorp
Classification: Pathogenic for Hereditary nonpolyposis colorectal neoplasms. Last evaluated: 2025-03-11. Review status: criteria provided, single submitter. Criteria: Invitae Variant Classification Sherloc (09022015). Collection method: clinical testing. Allele origin: germline.
Comment: This sequence change creates a premature translational stop signal (p.Gln346Thrfs*19) in the PMS2 gene. It is expected to result in an absent or disrupted protein product. Loss-of-function variants in PMS2 are known to be pathogenic (PMID: 21376568, 24362816). This variant is not present in population databases (gnomAD no frequency). This variant has not been reported in the literature in individuals affected with PMS2-related conditions. ClinVar contains an entry for this variant (Variation ID: 2126985). For these reasons, this variant has been classified as Pathogenic.

Literature cited by the submitters: PubMed 21376568; PubMed 24362816.